The following is an entry in ClinVar:

ClinVar aggregate classification (germline): Uncertain significance (1 of 4 stars; one submission).

Allele frequency attached by ClinVar (database versions not stated): gnomAD exomes 0.00001.

Submission:

Labcorp Genetics (formerly Invitae), Labcorp
Classification: Uncertain significance. Last evaluated: 2022-07-03. Review status: criteria provided, single submitter. Criteria: Invitae Variant Classification Sherloc (09022015). Collection method: clinical testing. Allele origin: germline.
Comment: This sequence change replaces methionine, which is neutral and non-polar, with threonine, which is neutral and polar, at codon 18 of the TNFSF11 protein (p.Met18Thr). This variant is not present in population databases (gnomAD no frequency). This variant has not been reported in the literature in individuals affected with TNFSF11-related conditions. Algorithms developed to predict the effect of missense changes on protein structure and function (SIFT, PolyPhen-2, Align-GVGD) all suggest that this variant is likely to be tolerated. In summary, the available evidence is currently insufficient to determine the role of this variant in disease. Therefore, it has been classified as a Variant of Uncertain Significance.

NM_003701.4(TNFSF11):c.53T>C (p.Met18Thr)

Genes: TNFSF11 (TNF superfamily member 11; plus strand), LOC130009662 (ATAC-STARR-seq lymphoblastoid silent region 5301; plus strand). Cytogenetic location: 13q14.11.
Variant type: single nucleotide variant.
Coding change: c.53T>C on transcript NM_003701.4 (MANE Select); coding-DNA position 53, T replaced by C.
Protein change: p.Met18Thr; replaces methionine 18 with threonine.
Molecular consequence: missense variant. On other transcripts: intron variant (1).
Genome position (GRCh38, 1-based): chr13:42,574,356, T>C. VCF-style: chr13-42574356-T-C. GRCh37 (hg19) VCF-style: chr13-43148492-T-C.
Other names: c.-1+2618T>C (NM_033012.4); short protein forms M18T.
Identifiers: ClinVar variation 1973339 (VCV001973339.2), dbSNP rs2137852368, ClinGen allele CA388214297.